The following is an entry in ClinVar:

NM_001999.4(FBN2):c.8046G>T (p.Ser2682=)

Gene: FBN2 (fibrillin 2; minus strand). Cytogenetic location: 5q23.3.
Variant type: single nucleotide variant.
Coding change: c.8046G>T on transcript NM_001999.4 (MANE Select); coding-DNA position 8046, G replaced by T.
Protein change: p.Ser2682=; no amino-acid change (serine 2682 retained).
Molecular consequence: synonymous variant.
Genome position (GRCh38, 1-based): chr5:128,263,571, C>A on the plus strand (G>T on the coding strand, the complement: FBN2 is on the minus strand). VCF-style: chr5-128263571-C-A. GRCh37 (hg19) VCF-style: chr5-127599263-C-A.
Identifiers: ClinVar variation 516069 (VCV000516069.21), dbSNP rs771507975, ClinGen allele CA3393946.
Genomic context (GRCh38, chr5:128,263,571, plus strand): 5'-GGAGGACGAGCACTCATTCACGTCGTGGCAGGCACTGGAGAACTGGTCGAAGGAGAACCC[C>A]GAGGGGCAGGCGCACTTGTAACTCCCCAGGGTGTTGTAGCAGGAAGCAGAGCCACAGGCA-3'
Protein context (NP_001990.2, residues 2672-2692): TLGSYKCACP[Ser2682=]GFSFDQFSSA

ClinVar aggregate classification (germline): Benign/Likely benign. Review status: criteria provided, multiple submitters, no conflicts (2 of 4 stars). 6 submissions from 6 submitters: Benign (1); Likely benign (4). 1 of the submissions does not count toward it. Last evaluated 2026-01-21.

Conditions:
FBN2-related disorder. Also called: FBN2-related condition.
Familial thoracic aortic aneurysm and aortic dissection (TAAD). Also called: Thoracic aortic aneurysms and dissections. Identifiers: Orphanet 91387, MedGen C4707243, MONDO:0019625.
Congenital contractural arachnodactyly (CCA). Also called: Arthrogryposis, distal, type 9; BEALS SYNDROME; Beals-Hecht syndrome. Identifiers: Orphanet 115, MedGen C0220668, MONDO:0007363, OMIM 121050.

Allele frequency attached by ClinVar (database versions not stated): TOPMed 0.00001; gnomAD 0.00003.
gnomAD v4.1: 111 of 1,613,912 alleles (0.0069%); highest among the groups gnomAD compares: Middle Eastern, 0.099%; no homozygotes.

Submissions (6):

Labcorp Genetics (formerly Invitae), Labcorp
Classification: Likely benign for Congenital contractural arachnodactyly. Last evaluated: 2026-01-21. Review status: criteria provided, single submitter. Criteria: Invitae Variant Classification Sherloc (09022015). Collection method: clinical testing. Allele origin: germline.

Blueprint Genetics
Classification: Likely benign. Last evaluated: 2023-10-19. Review status: criteria provided, single submitter. Criteria: ACMG Guidelines, 2015. Collection method: clinical testing. Allele origin: germline.

Ambry Genetics
Classification: Likely benign for Familial thoracic aortic aneurysm and aortic dissection. Last evaluated: 2022-07-23. Review status: criteria provided, single submitter. Criteria: Ambry Variant Classification Scheme 2023. Collection method: clinical testing. Allele origin: germline.

GeneDx
Classification: Benign. Last evaluated: 2017-08-03. Review status: criteria provided, single submitter. Criteria: GeneDx Variant Classification (06012015). Collection method: clinical testing. Allele origin: germline. Affected: yes.
Comment: This variant is considered likely benign or benign based on one or more of the following criteria: it is a conservative change, it occurs at a poorly conserved position in the protein, it is predicted to be benign by multiple in silico algorithms, and/or has population frequency not consistent with disease.

Breakthrough Genomics
Classification: Likely benign. Review status: criteria provided, single submitter. Criteria: ACMG Guidelines, 2015. Collection method: not provided. Allele origin: germline. Inheritance: Autosomal dominant inheritance. Affected: yes.

PreventionGenetics, part of Exact Sciences
Classification: Likely benign for FBN2-related condition. Last evaluated: 2019-03-04. Review status: no assertion criteria provided. Collection method: clinical testing. Allele origin: germline. Not counted in ClinVar's aggregate classification.
Comment: This variant is classified as likely benign based on ACMG/AMP sequence variant interpretation guidelines (Richards et al. 2015 PMID: 25741868, with internal and published modifications).